The following is an entry in ClinVar:

ClinVar aggregate classification (germline): Likely benign. Review status: criteria provided, multiple submitters, no conflicts (2 of 4 stars). 2 submissions from 2 submitters: Likely benign (2). Last evaluated 2025-01-08.

Conditions:
Hereditary diffuse gastric adenocarcinoma (HDGC). Also called: DIFFUSE GASTRIC AND LOBULAR BREAST CANCER SYNDROME. Identifiers: Orphanet 26106, MedGen C1708349, MONDO:0007648, OMIM 137215.

Allele frequency attached by ClinVar (database versions not stated): TOPMed 0.00001.

Submissions (2):

Labcorp Genetics (formerly Invitae), Labcorp
Classification: Likely benign. Last evaluated: 2025-01-08. Review status: criteria provided, single submitter. Criteria: Invitae Variant Classification Sherloc (09022015). Collection method: clinical testing. Allele origin: germline.

Myriad Genetics, Inc.
Classification: Likely benign for Hereditary diffuse gastric adenocarcinoma. Last evaluated: 2024-10-11. Review status: criteria provided, single submitter. Criteria: Myriad Autosomal Dominant, Autosomal Recessive and X-Linked Classification Criteria (2023). Collection method: clinical testing. Allele origin: unknown.
Comment: This variant is considered likely benign. This variant is intronic and is not expected to impact mRNA splicing.

NM_001903.5(CTNNA1):c.1390-7T>C

Gene: CTNNA1 (catenin alpha 1; plus strand). Cytogenetic location: 5q31.2.
Variant type: single nucleotide variant.
Coding change: c.1390-7T>C on transcript NM_001903.5 (MANE Select); 7 bases into the intron before coding-DNA position 1390, T replaced by C.
Molecular consequence: intron variant.
Genome position (GRCh38, 1-based): chr5:138,917,735, T>C. VCF-style: chr5-138917735-T-C. GRCh37 (hg19) VCF-style: chr5-138253424-T-C.
Other names: c.1390-7T>C (NM_001323982.2, NM_001323984.2, NM_001290307.3 and 2 more transcripts); c.1297-7T>C (NM_001323986.2); c.1021-7T>C (NM_001290310.3); c.1081-7T>C (NM_001290309.3); c.280-7T>C (NM_001323996.1, NM_001323993.1, NM_001324005.1 and 17 more transcripts); c.-60-7T>C (NM_001324007.1, NM_001324009.1, NM_001324006.1 and 2 more transcripts); c.37-7T>C (NM_001324013.1, NM_001324012.1); c.187-7T>C (NM_001324011.1).
Identifiers: ClinVar variation 2703656 (VCV002703656.4), dbSNP rs1762089406, ClinGen allele CA1586077539.